The following is an entry in ClinVar:

ClinVar aggregate classification (germline): Benign (1 of 4 stars; one submission).

Allele frequency attached by ClinVar (database versions not stated): gnomAD exomes 0.03416; gnomAD 0.03746 and 0.04286; TOPMed 0.04330; 1000 Genomes Project 30x 0.08948; 1000 Genomes Project 0.08986.

Submission:

GeneDx
Classification: Benign. Last evaluated: 2018-06-16. Review status: criteria provided, single submitter. Criteria: GeneDx Variant Classification (06012015). Collection method: clinical testing. Allele origin: germline. Affected: yes.
Comment: This variant is considered likely benign or benign based on one or more of the following criteria: it is a conservative change, it occurs at a poorly conserved position in the protein, it is predicted to be benign by multiple in silico algorithms, and/or has population frequency not consistent with disease.

NM_139343.3(BIN1):c.1002+112T>C

Gene: BIN1 (bridging integrator 1; minus strand). Cytogenetic location: 2q14.3.
Variant type: single nucleotide variant.
Coding change: c.1002+112T>C on transcript NM_139343.3 (MANE Select); 112 bases into the intron after coding-DNA position 1002, T replaced by C.
Molecular consequence: intron variant.
Genome position (GRCh38, 1-based): chr2:127,058,899, A>G on the plus strand (T>C on the coding strand, the complement: BIN1 is on the minus strand). VCF-style: chr2-127058899-A-G. GRCh37 (hg19) VCF-style: chr2-127816475-A-G.
Other names: c.921+112T>C (NM_001320642.1); c.837+112T>C (NM_001320634.1); c.909+112T>C (NM_139351.3, NM_139350.3, NM_139349.3 and 3 more transcripts); c.954+112T>C (NM_001320632.2, NM_004305.4, NM_139346.3); c.1002+112T>C (NM_001320633.2, NM_139345.3, NM_139344.3 and 1 more transcripts).
Identifiers: ClinVar variation 671707 (VCV000671707.1), dbSNP rs2276581, ClinGen allele CA55344975.